The following is an entry in ClinVar:

ClinVar aggregate classification (germline): Likely benign (1 of 4 stars; one submission).

gnomAD v4.1: 280 of 397,848 alleles (0.07%); highest among the groups gnomAD compares: African/African-American, 0.52%; 2 homozygotes.

Submission:

CeGaT Center for Human Genetics Tuebingen
Classification: Likely benign. Last evaluated: 2026-05-01. Review status: criteria provided, single submitter. Criteria: CeGaT Center For Human Genetics Tuebingen Variant Classification Criteria Version 2. Collection method: clinical testing. Allele origin: germline. Affected: yes. Observed: 2 variant alleles.
Comment: TSC1: BS1

NC_000009.12:g.132944734C>T

Gene: TSC1 (TSC complex subunit 1; minus strand). Cytogenetic location: 9q34.13.
Variant type: single nucleotide variant.
Genome position: GRCh38 VCF-style: chr9-132944734-C-T. GRCh37 (hg19) VCF-style: chr9-135820121-C-T.
Identifiers: ClinVar variation 4822017 (VCV004822017.4).